The following is an entry in ClinVar:

ClinVar aggregate classification (germline): Uncertain significance (1 of 4 stars; one submission).

Conditions:
Familial thoracic aortic aneurysm and aortic dissection (TAAD). Also called: Thoracic aortic aneurysms and dissections. Identifiers: Orphanet 91387, MedGen C4707243, MONDO:0019625.

Submission:

Color Diagnostics, LLC DBA Color Health
Classification: Uncertain significance for Familial thoracic aortic aneurysm and aortic dissection. Last evaluated: 2025-09-23. Review status: criteria provided, single submitter. Criteria: ACMG Guidelines, 2015. Collection method: clinical testing. Allele origin: germline.
Comment: This variant changes 1 nucleotide in exon 36 of the MYH11 gene, creating a premature translation stop signal. This variant is expected to result in an absent or non-functional protein product. To our knowledge, this variant has not been reported in individuals affected with MYH11-related disorders in the literature. This variant has not been identified in the general population by the Genome Aggregation Database (gnomAD). The role of loss-of-function MYL2 truncation variants in autosomal dominant cardiovascular disorders is not clearly understood. The available evidence is insufficient to determine the role of this variant in disease conclusively. Therefore, this variant is classified as a Variant of Uncertain Significance.

NM_002474.3(MYH11):c.5077C>T (p.Gln1693Ter)

Genes: NDE1 (nudE neurodevelopment protein 1; plus strand), MYH11 (myosin heavy chain 11; minus strand). Cytogenetic location: 16p13.11.
Variant type: single nucleotide variant.
Coding change: c.5077C>T on transcript NM_002474.3 (MANE Select); coding-DNA position 5077, C replaced by T.
Protein change: p.Gln1693Ter; replaces glutamine 1693 with a stop codon.
Molecular consequence: nonsense. On other transcripts: intron variant (2).
Genome position (GRCh38, 1-based): chr16:15,719,590, G>A on the plus strand (C>T on the coding strand, the complement: MYH11 is on the minus strand). VCF-style: chr16-15719590-G-A. GRCh37 (hg19) VCF-style: chr16-15813447-G-A.
Other names: c.5098C>T, p.Gln1700Ter (NM_001040113.2, NM_001040114.2); c.5077C>T, p.Gln1693Ter (NM_022844.3); c.948-4601G>A (NM_001143979.2, NM_017668.3); short protein forms Q1693*, Q1700*.
Identifiers: ClinVar variation 4756410 (VCV004756410.1).